The following is an entry in ClinVar:

ClinVar aggregate classification (germline): Uncertain significance. Review status: criteria provided, multiple submitters, no conflicts (2 of 4 stars). 2 submissions from 2 submitters: Uncertain significance (2). Last evaluated 2025-11-11.

Conditions:
Inborn genetic diseases. Identifiers: MedGen C0950123, MeSH D030342.
Congenital myasthenic syndrome 2A. Also called: Myasthenic syndrome, congenital, 2a, slow-channel. Identifiers: Orphanet 590, MedGen C4225374, MONDO:0014581, OMIM 616313.

Allele frequency attached by ClinVar (database versions not stated): gnomAD exomes below 0.00001; TOPMed 0.00003.
gnomAD v4.1: 1 of 1,614,060 alleles (0.000062%); highest among the groups gnomAD compares: Non-Finnish European, 0.000085%; no homozygotes.

Submissions (2):

Ambry Genetics
Classification: Uncertain significance for Inborn genetic diseases. Last evaluated: 2025-11-11. Review status: criteria provided, single submitter. Criteria: Ambry Variant Classification Scheme 2023. Collection method: clinical testing. Allele origin: germline.

Labcorp Genetics (formerly Invitae), Labcorp
Classification: Uncertain significance for Congenital myasthenic syndrome 2A. Last evaluated: 2022-09-15. Review status: criteria provided, single submitter. Criteria: Invitae Variant Classification Sherloc (09022015). Collection method: clinical testing. Allele origin: germline.
Comment: In summary, the available evidence is currently insufficient to determine the role of this variant in disease. Therefore, it has been classified as a Variant of Uncertain Significance. Advanced modeling of protein sequence and biophysical properties (such as structural, functional, and spatial information, amino acid conservation, physicochemical variation, residue mobility, and thermodynamic stability) performed at Invitae indicates that this missense variant is not expected to disrupt CHRNB1 protein function. This variant has not been reported in the literature in individuals affected with CHRNB1-related conditions. This variant is present in population databases (no rsID available, gnomAD 0.0009%). This sequence change replaces valine, which is neutral and non-polar, with phenylalanine, which is neutral and non-polar, at codon 436 of the CHRNB1 protein (p.Val436Phe).

NM_000747.3(CHRNB1):c.1306G>T (p.Val436Phe)

Gene: CHRNB1 (cholinergic receptor nicotinic beta 1 subunit; plus strand). Cytogenetic location: 17p13.1.
Variant type: single nucleotide variant.
Coding change: c.1306G>T on transcript NM_000747.3 (MANE Select); coding-DNA position 1306, G replaced by T.
Protein change: p.Val436Phe; replaces valine 436 with phenylalanine.
Molecular consequence: missense variant.
Genome position (GRCh38, 1-based): chr17:7,455,882, G>T. VCF-style: chr17-7455882-G-T. GRCh37 (hg19) VCF-style: chr17-7359201-G-T.
Other names: c.1306G>T (NM_000747.2); short protein forms V436F.
Identifiers: ClinVar variation 2192805 (VCV002192805.5), dbSNP rs1039338082, ClinGen allele CA287432543.